The following is an entry in ClinVar:

ClinVar aggregate classification (germline): Uncertain significance (1 of 4 stars; one submission).

Conditions:
Inborn genetic diseases. Identifiers: MedGen C0950123, MeSH D030342.

gnomAD v4.1: 2 of 1,613,568 alleles (0.00012%); highest among the groups gnomAD compares: African/African-American, 0.0027%; no homozygotes.

Submission:

Ambry Genetics
Classification: Uncertain significance for Inborn genetic diseases. Last evaluated: 2025-02-28. Review status: criteria provided, single submitter. Criteria: Ambry Variant Classification Scheme 2023. Collection method: clinical testing. Allele origin: germline.
Comment: The p.S98F variant (also known as c.293C>T), located in coding exon 3 of the CEP57 gene, results from a C to T substitution at nucleotide position 293. The serine at codon 98 is replaced by phenylalanine, an amino acid with highly dissimilar properties. This amino acid position is conserved. In addition, this alteration is predicted to be deleterious by in silico analysis. Based on the available evidence, the clinical significance of this variant remains unclear.

NM_014679.5(CEP57):c.293C>T (p.Ser98Phe)

Gene: CEP57 (centrosomal protein 57; plus strand). Cytogenetic location: 11q21.
Variant type: single nucleotide variant.
Coding change: c.293C>T on transcript NM_014679.5 (MANE Select); coding-DNA position 293, C replaced by T.
Protein change: p.Ser98Phe; replaces serine 98 with phenylalanine.
Molecular consequence: missense variant.
Genome position (GRCh38, 1-based): chr11:95,813,022, C>T. VCF-style: chr11-95813022-C-T. GRCh37 (hg19) VCF-style: chr11-95546186-C-T.
Other names: c.266C>T, p.Ser89Phe (NM_001243776.2); c.293C>T, p.Ser98Phe (NM_001243777.2); c.212C>T, p.Ser71Phe (NM_001363604.2); short protein forms S71F, S89F, S98F.
Identifiers: ClinVar variation 3832008 (VCV003832008.1).
Genomic context (GRCh38, chr11:95,813,022, plus strand): 5'-ATAAGATTCGACGCTTGGAACTTGAGAGGATTCAGGCAGAAGAAAGTGTGAAAACCTTGT[C>T]TAGAGAAACAATTGAATATAAGAAAGTACTGGATGAACAGATACAAGAAAGGGAGAATTC-3'
Protein context (NP_055494.2, residues 88-108): IQAEESVKTL[Ser98Phe]RETIEYKKVL